The following is an entry in ClinVar:

ClinVar aggregate classification (germline): Uncertain significance (1 of 4 stars; one submission).

Conditions:
Inclusion body myopathy with Paget disease of bone and frontotemporal dementia. Also called: Inclusion body myopathy with early-onset Paget disease and frontotemporal dementia. Identifiers: Orphanet 52430, MedGen C1833662, MONDO:0000507.
Frontotemporal dementia and/or amyotrophic lateral sclerosis 6 (FTDALS6). Also called: VCP-Related Amyotrophic Lateral Sclerosis; VCP-Related Amyotrophic Lateral Sclerosis/Frontotemporal Dementia. Identifiers: Orphanet 275872, Orphanet 803, MedGen C5436279, MONDO:0013501, OMIM 613954.

Allele frequency attached by ClinVar (database versions not stated): TOPMed below 0.00001.
gnomAD v4.1: 9 of 1,614,086 alleles (0.00056%); highest among the groups gnomAD compares: East Asian, 0.0022%; no homozygotes.

Submission:

Labcorp Genetics (formerly Invitae), Labcorp
Classification: Uncertain significance for Inclusion body myopathy with Paget disease of bone and frontotemporal dementia; Frontotemporal dementia and/or amyotrophic lateral sclerosis 6. Last evaluated: 2023-06-29. Review status: criteria provided, single submitter. Criteria: Invitae Variant Classification Sherloc (09022015). Collection method: clinical testing. Allele origin: germline.
Comment: This variant has not been reported in the literature in individuals affected with VCP-related conditions. In summary, the available evidence is currently insufficient to determine the role of this variant in disease. Therefore, it has been classified as a Variant of Uncertain Significance. Advanced modeling of protein sequence and biophysical properties (such as structural, functional, and spatial information, amino acid conservation, physicochemical variation, residue mobility, and thermodynamic stability) performed at Invitae indicates that this missense variant is expected to disrupt VCP protein function. This variant is not present in population databases (gnomAD no frequency). This sequence change replaces arginine, which is basic and polar, with cysteine, which is neutral and slightly polar, at codon 567 of the VCP protein (p.Arg567Cys).

NM_007126.5(VCP):c.1699C>T (p.Arg567Cys)

Gene: VCP (valosin containing protein; minus strand). Cytogenetic location: 9p13.3.
Variant type: single nucleotide variant.
Coding change: c.1699C>T on transcript NM_007126.5 (MANE Select); coding-DNA position 1699, C replaced by T.
Protein change: p.Arg567Cys; replaces arginine 567 with cysteine.
Molecular consequence: missense variant.
Genome position (GRCh38, 1-based): chr9:35,059,798, G>A on the plus strand (C>T on the coding strand, the complement: VCP is on the minus strand). VCF-style: chr9-35059798-G-A. GRCh37 (hg19) VCF-style: chr9-35059795-G-A.
Other names: c.1564C>T, p.Arg522Cys (NM_001354927.2, NM_001354928.2); short protein forms R567C, R522C.
Identifiers: ClinVar variation 2924884 (VCV002924884.3), dbSNP rs1828684850, ClinGen allele CA373277098.
Genomic context (GRCh38, chr9:35,059,798, plus strand): 5'-CACGAGCCTTGGCAATCGAATCCAGCTCATCAAAGAATAGCACACAGGGGGCAGCTTGGC[G>A]GGCCTGTAGGAGGAATGGATTGATTCAAGCACTAACAAAACTAGATGTCTCTAGGCAAAC-3'
Protein context (NP_009057.1, residues 557-577): ANVREIFDKA[Arg567Cys]QAAPCVLFFD